The following is an entry in ClinVar:

ClinVar aggregate classification (germline): Uncertain significance (1 of 4 stars; one submission).

Conditions:
Heterotaxy, visceral, 1, X-linked (HTX1). Also called: SITUS INVERSUS, COMPLEX CARDIAC DEFECTS, AND SPLENIC DEFECTS, X-LINKED; DEXTROCARDIA WITH OTHER CARDIAC MALFORMATIONS; Laterality, X-linked; Visceral heterotaxia. Identifiers: Orphanet 450, MedGen C1844020, MONDO:0010607, OMIM 306955.

Submission:

Labcorp Genetics (formerly Invitae), Labcorp
Classification: Uncertain significance for Heterotaxy, visceral, 1, X-linked. Last evaluated: 2022-06-28. Review status: criteria provided, single submitter. Criteria: Invitae Variant Classification Sherloc (09022015). Collection method: clinical testing. Allele origin: germline.
Comment: A copy number gain of the genomic region encompassing the full coding sequence of the ZIC3 gene has been identified. The boundaries of this event are unknown as they extend beyond the assayed region for this gene and therefore may encompass additional genes. As the precise location of this event is unknown, it may be in tandem or it may be located elsewhere in the genome. This variant has not been reported in the literature in individuals affected with ZIC3-related conditions. In summary, the available evidence is currently insufficient to determine the role of this variant in disease. Therefore, it has been classified as a Variant of Uncertain Significance.

NC_000023.10:g.(?_136648845)_(136652234_?)dup

Gene: ZIC3 (Zic family zinc finger 3; plus strand). Cytogenetic location: Xq26.3.
Variant type: Duplication.
Identifiers: ClinVar variation 1062515 (VCV001062515.7).